The following is an entry in ClinVar:

ClinVar aggregate classification (germline): Conflicting classifications of pathogenicity. Review status: criteria provided, conflicting classifications (1 of 4 stars). 3 submissions from 3 submitters: Uncertain significance (2); Likely benign (1). Last evaluated 2025-06-23.

Allele frequency attached by ClinVar (database versions not stated): gnomAD exomes 0.00012 and 0.00013; TOPMed 0.00013; ExAC 0.00014; gnomAD 0.00017 and 0.00019.
gnomAD v4.1: 208 of 1,614,092 alleles (0.013%); highest among the groups gnomAD compares: Admixed American, 0.025%; no homozygotes.

Submissions (3):

GeneDx
Classification: Uncertain significance. Last evaluated: 2025-06-23. Review status: criteria provided, single submitter. Criteria: GeneDx Variant Classification Process June 2021. Collection method: clinical testing. Allele origin: germline. Affected: yes.
Comment: In silico analysis suggests that this missense variant does not alter protein structure/function; Has not been previously published as pathogenic or benign to our knowledge

Blueprint Genetics
Classification: Likely benign. Last evaluated: 2024-01-12. Review status: criteria provided, single submitter. Criteria: ACMG Guidelines, 2015. Collection method: clinical testing. Allele origin: germline.

Labcorp Genetics (formerly Invitae), Labcorp
Classification: Uncertain significance. Last evaluated: 2022-07-12. Review status: criteria provided, single submitter. Criteria: Invitae Variant Classification Sherloc (09022015). Collection method: clinical testing. Allele origin: germline.
Comment: This sequence change replaces arginine, which is basic and polar, with tryptophan, which is neutral and slightly polar, at codon 734 of the HPS5 protein (p.Arg734Trp). This variant is present in population databases (rs752089199, gnomAD 0.02%). This variant has not been reported in the literature in individuals affected with HPS5-related conditions. ClinVar contains an entry for this variant (Variation ID: 303880). Algorithms developed to predict the effect of missense changes on protein structure and function (SIFT, PolyPhen-2, Align-GVGD) all suggest that this variant is likely to be tolerated. In summary, the available evidence is currently insufficient to determine the role of this variant in disease. Therefore, it has been classified as a Variant of Uncertain Significance.

NM_181507.2(HPS5):c.2200C>T (p.Arg734Trp)

Gene: HPS5 (HPS5 biogenesis of lysosomal organelles complex 2 subunit 2; minus strand). Cytogenetic location: 11p15.1.
Variant type: single nucleotide variant.
Coding change: c.2200C>T on transcript NM_181507.2 (MANE Select); coding-DNA position 2200, C replaced by T.
Protein change: p.Arg734Trp; replaces arginine 734 with tryptophan.
Molecular consequence: missense variant.
Genome position (GRCh38, 1-based): chr11:18,291,682, G>A on the plus strand (C>T on the coding strand, the complement: HPS5 is on the minus strand). VCF-style: chr11-18291682-G-A. GRCh37 (hg19) VCF-style: chr11-18313229-G-A.
Other names: c.1858C>T, p.Arg620Trp (NM_007216.4, NM_181508.2); short protein forms R734W, R620W.
Identifiers: ClinVar variation 303880 (VCV000303880.11), dbSNP rs752089199, ClinGen allele CA5909902.
Genomic context (GRCh38, chr11:18,291,682, plus strand): 5'-TCTTAGAATTCAATACATTCAACTCCAAACATAATGTTGTCAATTCAGCCAGGTCGTTCC[G>A]AAGACCACTTGCAATGGCGCATGGAGAACATATTTGAAACAGGTCATCCAAAGACTCCCT-3'
Protein context (NP_852608.1, residues 724-744): CSPCAIASGL[Arg734Trp]NDLAELTTLC